The following is an entry in ClinVar:

NM_020433.5(JPH2):c.658C>T (p.Leu220Phe)

Gene: JPH2 (junctophilin 2; minus strand). Cytogenetic location: 20q13.12.
Variant type: single nucleotide variant.
Coding change: c.658C>T on transcript NM_020433.5 (MANE Select); coding-DNA position 658, C replaced by T.
Protein change: p.Leu220Phe; replaces leucine 220 with phenylalanine.
Molecular consequence: missense variant.
Genome position (GRCh38, 1-based): chr20:44,160,129, G>A on the plus strand (C>T on the coding strand, the complement: JPH2 is on the minus strand). VCF-style: chr20-44160129-G-A. GRCh37 (hg19) VCF-style: chr20-42788769-G-A.
Other names: short protein forms L220F.
Identifiers: ClinVar variation 2451744 (VCV002451744.2), dbSNP rs2072598539, ClinGen allele CA409093939.

ClinVar aggregate classification (germline): Uncertain significance (1 of 4 stars; one submission).

Conditions:
Cardiovascular phenotype. Identifiers: MedGen CN230736.

Allele frequency attached by ClinVar (database versions not stated): gnomAD exomes below 0.00001.
gnomAD v4.1: 1 of 1,490,210 alleles (0.000067%); highest among the groups gnomAD compares: Non-Finnish European, 0.000089%; no homozygotes.

Submission:

Ambry Genetics
Classification: Uncertain significance for Cardiovascular phenotype. Last evaluated: 2022-11-20. Review status: criteria provided, single submitter. Criteria: Ambry Variant Classification Scheme 2023. Collection method: clinical testing. Allele origin: germline.
Comment: The p.L220F variant (also known as c.658C>T), located in coding exon 2 of the JPH2 gene, results from a C to T substitution at nucleotide position 658. The leucine at codon 220 is replaced by phenylalanine, an amino acid with highly similar properties. This amino acid position is conserved. In addition, this alteration is predicted to be tolerated by in silico analysis. Since supporting evidence is limited at this time, the clinical significance of this alteration remains unclear.